The following is an entry in ClinVar:

NM_001039111.3(TRIM71):c.2379G>T (p.Gln793His)

Gene: TRIM71 (tripartite motif containing 71; plus strand). Cytogenetic location: 3p22.3.
Variant type: single nucleotide variant.
Coding change: c.2379G>T on transcript NM_001039111.3 (MANE Select); coding-DNA position 2379, G replaced by T.
Protein change: p.Gln793His; replaces glutamine 793 with histidine.
Molecular consequence: missense variant.
Genome position (GRCh38, 1-based): chr3:32,891,583, G>T. VCF-style: chr3-32891583-G-T. GRCh37 (hg19) VCF-style: chr3-32933075-G-T.
Other names: short protein forms Q793H.
Identifiers: ClinVar variation 2630648 (VCV002630648.1), dbSNP rs774383473, ClinGen allele CA2298983.

ClinVar aggregate classification (germline): Uncertain significance (1 of 4 stars; one submission).

Conditions:
TRIM71-related disorder. Also called: TRIM71-related condition.

Allele frequency attached by ClinVar (database versions not stated): gnomAD exomes below 0.00001; ExAC 0.00001; gnomAD 0.00001; TOPMed 0.00001.
gnomAD v4.1: 2 of 1,613,710 alleles (0.00012%); highest among the groups gnomAD compares: East Asian, 0.0045%; no homozygotes.

Submission:

PreventionGenetics, part of Exact Sciences
Classification: Uncertain significance for TRIM71-related condition. Last evaluated: 2023-02-09. Review status: criteria provided, single submitter. Criteria: ACMG Guidelines, 2015. Collection method: clinical testing. Allele origin: germline.
Comment: The TRIM71 c.2379G>T variant is predicted to result in the amino acid substitution p.Gln793His. To our knowledge, this variant has not been reported in the literature. This variant is reported in 0.0056% of alleles in individuals of East Asian descent in gnomAD. At this time, the clinical significance of this variant is uncertain due to the absence of conclusive functional and genetic evidence.